The following is an entry in ClinVar:

NM_133259.4(LRPPRC):c.111C>T (p.Ala37=)

Gene: LRPPRC (leucine rich pentatricopeptide repeat containing; minus strand). Cytogenetic location: 2p21.
Variant type: single nucleotide variant.
Coding change: c.111C>T on transcript NM_133259.4 (MANE Select); coding-DNA position 111, C replaced by T.
Protein change: p.Ala37=; no amino-acid change (alanine 37 retained).
Molecular consequence: synonymous variant.
Genome position (GRCh38, 1-based): chr2:43,995,837, G>A on the plus strand (C>T on the coding strand, the complement: LRPPRC is on the minus strand). VCF-style: chr2-43995837-G-A. GRCh37 (hg19) VCF-style: chr2-44222976-G-A.
Other names: c.111C>T (NM_133259.3).
Identifiers: ClinVar variation 1147266 (VCV001147266.11), dbSNP rs975809121, ClinGen allele CA46458337.
Genomic context (GRCh38, chr2:43,995,837, plus strand): 5'-GAGAAAGGGCCTGGGCACTCACCCGGCCACGGGCCCGGCGCGAGCGGCGGGCAGATAGGA[G>A]GCGGCATGCAGCCGGCCCGGGCCGCCAGGGAGGAGGCGCAGGGAGAGCGGGAGGCGCGGG-3'
Protein context (NP_573566.2, residues 27-47): LPGGPGRLHA[Ala37=]SYLPAARAGP

ClinVar aggregate classification (germline): Conflicting classifications of pathogenicity. Review status: criteria provided, conflicting classifications (1 of 4 stars). 4 submissions from 4 submitters: Uncertain significance (1); Likely benign (2). 1 of the submissions does not count toward it. Last evaluated 2026-01-13.

Conditions:
LRPPRC-related disorder. Also called: LRPPRC-related condition.
Congenital lactic acidosis, Saguenay-Lac-Saint-Jean type (MC4DN5). Also called: MITOCHONDRIAL COMPLEX IV DEFICIENCY, NUCLEAR TYPE 5; CYTOCHROME c OXIDASE DEFICIENCY, FRENCH CANADIAN TYPE; COX DEFICIENCY, FRENCH CANADIAN TYPE. Identifiers: Orphanet 70472, MedGen C1857355, MONDO:0009069, OMIM 220111.

Allele frequency attached by ClinVar (database versions not stated): TOPMed 0.00001; gnomAD 0.00002; gnomAD exomes 0.00005.
gnomAD v4.1: 12 of 1,448,964 alleles (0.00083%); highest among the groups gnomAD compares: Admixed American, 0.016%; no homozygotes.

Submissions (4):

Labcorp Genetics (formerly Invitae), Labcorp
Classification: Likely benign. Last evaluated: 2026-01-13. Review status: criteria provided, single submitter. Criteria: Invitae Variant Classification Sherloc (09022015). Collection method: clinical testing. Allele origin: germline.

GeneDx
Classification: Uncertain significance. Last evaluated: 2025-10-28. Review status: criteria provided, single submitter. Criteria: GeneDx Variant Classification Process June 2021. Collection method: clinical testing. Allele origin: germline.
Comment: In silico analysis suggests that this variant does not alter splicing; Has not been previously published as pathogenic or benign to our knowledge

PreventionGenetics, part of Exact Sciences
Classification: Likely benign for LRPPRC-related condition. Last evaluated: 2025-05-07. Review status: criteria provided, single submitter. Criteria: ACMG Guidelines, 2015. Collection method: clinical testing. Allele origin: germline.
Comment: This variant is classified as likely benign based on ACMG/AMP sequence variant interpretation guidelines (Richards et al. 2015 PMID: 25741868, with internal and published modifications).

Natera, Inc.
Classification: Likely benign for French-Canadian type Leigh syndrome. Last evaluated: 2021-06-23. Review status: no assertion criteria provided. Collection method: clinical testing. Allele origin: germline. Not counted in ClinVar's aggregate classification.